The following is an entry in ClinVar:

ClinVar aggregate classification (germline): Conflicting classifications of pathogenicity. Review status: criteria provided, conflicting classifications (1 of 4 stars). 3 submissions from 3 submitters: Uncertain significance (1); Likely benign (2). Last evaluated 2026-02-11.

Conditions:
Blau syndrome (BLAUS). Also called: GRANULOMATOSIS, FAMILIAL JUVENILE SYSTEMIC; GRANULOMATOSIS, FAMILIAL, BLAU TYPE; GRANULOMATOUS INFLAMMATORY ARTHRITIS, DERMATITIS, AND UVEITIS, FAMILIAL; JABS SYNDROME; ARTHROCUTANEOUVEAL GRANULOMATOSIS. Identifiers: Orphanet 90340, MedGen C5201146, MONDO:0008523, OMIM 186580.
Regional enteritis. Also called: Enteritis, Granulomatous. Identifiers: MedGen C0678202, MeSH D003424.

Allele frequency attached by ClinVar (database versions not stated): gnomAD exomes 0.00005 and 0.00010; gnomAD 0.00006 and 0.00007; TOPMed 0.00007; ExAC 0.00011; 1000 Genomes Project 30x 0.00016; 1000 Genomes Project 0.00020.
gnomAD v4.1: 92 of 1,614,096 alleles (0.0057%); highest among the groups gnomAD compares: Admixed American, 0.025%; no homozygotes.

Submissions (3):

Women's Health and Genetics/Laboratory Corporation of America, LabCorp
Classification: Likely benign. Last evaluated: 2026-02-11. Review status: criteria provided, single submitter. Criteria: LabCorp Variant Classification Summary - May 2015. Collection method: clinical testing. Allele origin: germline.
Comment: Variant summary: NOD2 c.920C>T (p.Thr307Met) results in a non-conservative amino acid change in the encoded protein sequence. Algorithms developed to predict the effect of missense changes on protein structure and function are either unavailable or do not agree on the potential impact of this missense change. The variant allele was found at a frequency of 0.0001 in 250962 control chromosomes. The observed variant frequency exceeds the estimated maximal expected allele frequency for disease-causing variants in NOD2. To our knowledge, no occurrence of c.920C>T in individuals affected with NOD2-related conditions and no experimental evidence demonstrating its impact on protein function have been reported. ClinVar contains an entry for this variant (Variation ID: 864813). Based on the evidence outlined above, the variant was classified as likely benign.

Labcorp Genetics (formerly Invitae), Labcorp
Classification: Likely benign for Regional enteritis; Blau syndrome. Last evaluated: 2026-01-11. Review status: criteria provided, single submitter. Criteria: Invitae Variant Classification Sherloc (09022015). Collection method: clinical testing. Allele origin: germline.

Blueprint Genetics
Classification: Uncertain significance. Last evaluated: 2022-04-28. Review status: criteria provided, single submitter. Criteria: ACMG Guidelines, 2015. Collection method: clinical testing. Allele origin: germline.

NM_001370466.1(NOD2):c.839C>T (p.Thr280Met)

Gene: NOD2 (nucleotide binding oligomerization domain containing 2; plus strand). Cytogenetic location: 16q12.1.
Variant type: single nucleotide variant.
Coding change: c.839C>T on transcript NM_001370466.1 (MANE Select); coding-DNA position 839, C replaced by T.
Protein change: p.Thr280Met; replaces threonine 280 with methionine.
Molecular consequence: missense variant. On other transcripts: non-coding transcript variant (1).
Genome position (GRCh38, 1-based): chr16:50,710,831, C>T. VCF-style: chr16-50710831-C-T. GRCh37 (hg19) VCF-style: chr16-50744742-C-T.
Other names: c.839C>T, p.Thr280Met (NM_001293557.2); c.920C>T, p.Thr307Met (NM_022162.3); short protein forms T280M, T307M.
Identifiers: ClinVar variation 864813 (VCV000864813.12), dbSNP rs191901394, ClinGen allele CA8051423.